The following is an entry in ClinVar:

ClinVar aggregate classification (germline): Pathogenic (1 of 4 stars; one submission).

Submission:

Labcorp Genetics (formerly Invitae), Labcorp
Classification: Pathogenic. Last evaluated: 2025-10-21. Review status: criteria provided, single submitter. Criteria: Invitae Variant Classification Sherloc (09022015). Collection method: clinical testing. Allele origin: germline.
Comment: This sequence change creates a premature translational stop signal (p.Leu123Serfs*17) in the SPTB gene. It is expected to result in an absent or disrupted protein product. Loss-of-function variants in SPTB are known to be pathogenic (PMID: 1391962, 1498324, 8844207, 26830532, 27292444). This variant is not present in population databases (gnomAD no frequency). This variant has not been reported in the literature in individuals affected with SPTB-related conditions. For these reasons, this variant has been classified as Pathogenic.

Literature cited by the submitters: PubMed 1391962; PubMed 1498324; PubMed 8844207; PubMed 26830532; PubMed 27292444.

NM_001355436.2(SPTB):c.367del (p.Leu123fs)

Gene: SPTB (spectrin beta, erythrocytic; minus strand). Cytogenetic location: 14q23.3.
Variant type: Deletion.
Coding change: c.367del on transcript NM_001355436.2 (MANE Select); coding-DNA position 367, one base deleted (C; older notation c.367delC).
Protein change: p.Leu123fs; shifts the reading frame from leucine 123.
Molecular consequence: frameshift variant.
Genome position (GRCh38, 1-based): chr14:64,803,714, G deleted on the plus strand (C on the coding strand, the reverse complement: SPTB is on the minus strand); the first of 2 consecutive G bases (chr14:64,803,714-64,803,715); deleting either gives the same sequence. VCF-style (leftmost placement, unchanged base first): chr14-64803713-AG-A. GRCh37 (hg19) VCF-style: chr14-65270431-AG-A.
Other names: c.367del, p.Leu123fs (NM_001024858.4, NM_001355437.2); short protein forms L123fs.
Identifiers: ClinVar variation 4729581 (VCV004729581.1).